The following is an entry in ClinVar:

ClinVar aggregate classification (germline): Likely pathogenic (1 of 4 stars; one submission).

Submission:

Labcorp Genetics (formerly Invitae), Labcorp
Classification: Likely pathogenic. Last evaluated: 2023-07-26. Review status: criteria provided, single submitter. Criteria: Invitae Variant Classification Sherloc (09022015). Collection method: clinical testing. Allele origin: germline.
Comment: In summary, the currently available evidence indicates that the variant is pathogenic, but additional data are needed to prove that conclusively. Therefore, this variant has been classified as Likely Pathogenic. Algorithms developed to predict the effect of sequence changes on RNA splicing suggest that this variant may disrupt the consensus splice site. This variant has not been reported in the literature in individuals affected with MYH14-related conditions. This variant is not present in population databases (gnomAD no frequency). This sequence change affects a donor splice site in intron 23 of the MYH14 gene. It is expected to disrupt RNA splicing. Variants that disrupt the donor or acceptor splice site typically lead to a loss of protein function (PMID: 16199547), and loss-of-function variants in MYH14 are known to be pathogenic (PMID: 15015131, 28221712).

Literature cited by the submitters: PubMed 16199547; PubMed 15015131; PubMed 28221712.

NM_001145809.2(MYH14):c.3171+1G>T

Gene: MYH14 (myosin heavy chain 14; plus strand). Cytogenetic location: 19q13.33.
Variant type: single nucleotide variant.
Coding change: c.3171+1G>T on transcript NM_001145809.2 (MANE Select); the canonical splice donor site of the intron after coding-DNA position 3171, G replaced by T.
Molecular consequence: splice donor variant.
Genome position (GRCh38, 1-based): chr19:50,271,547, G>T. VCF-style: chr19-50271547-G-T. GRCh37 (hg19) VCF-style: chr19-50774804-G-T.
Other names: c.3072+1G>T (NM_001077186.2); c.3048+1G>T (NM_024729.4).
Identifiers: ClinVar variation 2860825 (VCV002860825.3), dbSNP rs2514411278, ClinGen allele CA406951311.